The following is an entry in ClinVar:

NM_000268.4(NF2):c.1256C>G (p.Thr419Arg)

Gene: NF2 (NF2, moesin-ezrin-radixin like (MERLIN) tumor suppressor; plus strand). Cytogenetic location: 22q12.2.
Variant type: single nucleotide variant.
Coding change: c.1256C>G on transcript NM_000268.4 (MANE Select); coding-DNA position 1256, C replaced by G.
Protein change: p.Thr419Arg; replaces threonine 419 with arginine.
Molecular consequence: missense variant. On other transcripts: non-coding transcript variant (1), intron variant (1).
Genome position (GRCh38, 1-based): chr22:29,673,402, C>G. VCF-style: chr22-29673402-C-G. GRCh37 (hg19) VCF-style: chr22-30069391-C-G.
Other names: c.1142C>G, p.Thr381Arg (NM_001407053.1, NM_001407056.1); c.1133C>G, p.Thr378Arg (NM_001407054.1, NM_001407058.1, NM_181829.3); c.1130C>G, p.Thr377Arg (NM_001407055.1, NM_181828.3); c.1121C>G, p.Thr374Arg (NM_001407057.1, NM_001407059.1); c.1256C>G, p.Thr419Arg (NM_001407060.1, NM_001407066.1, NM_016418.5 and 2 more transcripts); c.998C>G, p.Thr333Arg (NM_001407062.1); c.1007C>G, p.Thr336Arg (NM_001407063.1, NM_001407064.1, NM_181830.3 and 1 more transcripts); c.722C>G, p.Thr241Arg (NM_001407065.1); and 2 more; short protein forms T378R, T241R, T333R, T336R, T419R, T342R, T374R, T377R.
Identifiers: ClinVar variation 2167849 (VCV002167849.5), dbSNP rs1216540232, ClinGen allele CA411148339.
Genomic context (GRCh38, chr22:29,673,402, plus strand): 5'-CCCAGAAGGCCGCAGAGGCTGAGCAGGAAATGCAGCGCATCAAGGCCACAGCGATTCGCA[C>G]GGAGGAGGAGAAGCGCCTGATGGAGCAGAAGGTGCTGGAAGCCGAGGTGCTGGCACTGAA-3'
Protein context (NP_000259.1, residues 409-429): MQRIKATAIR[Thr419Arg]EEEKRLMEQK

ClinVar aggregate classification (germline): Uncertain significance. Review status: criteria provided, multiple submitters, no conflicts (2 of 4 stars). 2 submissions from 2 submitters: Uncertain significance (2). Last evaluated 2025-10-28.

Conditions:
Neurofibromatosis, type 2 (SWNV). Also called: SCHWANNOMATOSIS, VESTIBULAR; BILATERAL ACOUSTIC NEUROFIBROMATOSIS; NF2-Related Schwannomatosis. Identifiers: Orphanet 637, MedGen C0027832, MONDO:0007039, OMIM 101000. Disease mechanism: loss of function.
Hereditary cancer-predisposing syndrome. Also called: Neoplastic Syndromes, Hereditary; Hereditary Cancer Syndrome; Hereditary neoplastic syndrome; Tumor predisposition. Identifiers: Orphanet 140162, MedGen C0027672, MeSH D009386, MONDO:0015356.

gnomAD v4.1: 1 of 1,612,358 alleles (0.000062%); highest among the groups gnomAD compares: Non-Finnish European, 0.000085%; no homozygotes.

Submissions (2):

Ambry Genetics
Classification: Uncertain significance for Hereditary cancer-predisposing syndrome. Last evaluated: 2025-10-28. Review status: criteria provided, single submitter. Criteria: Ambry Variant Classification Scheme 2023. Collection method: clinical testing. Allele origin: germline.
Comment: The p.T419R variant (also known as c.1256C>G), located in coding exon 12 of the NF2 gene, results from a C to G substitution at nucleotide position 1256. The threonine at codon 419 is replaced by arginine, an amino acid with similar properties. This amino acid position is conserved. In addition, the in silico prediction for this alteration is inconclusive. Based on the available evidence, the clinical significance of this variant remains unclear.

Labcorp Genetics (formerly Invitae), Labcorp
Classification: Uncertain significance for Neurofibromatosis, type 2. Last evaluated: 2024-01-28. Review status: criteria provided, single submitter. Criteria: Invitae Variant Classification Sherloc (09022015). Collection method: clinical testing. Allele origin: germline.
Comment: This sequence change replaces threonine, which is neutral and polar, with arginine, which is basic and polar, at codon 419 of the NF2 protein (p.Thr419Arg). This variant is not present in population databases (gnomAD no frequency). This variant has not been reported in the literature in individuals affected with NF2-related conditions. ClinVar contains an entry for this variant (Variation ID: 2167849). Advanced modeling of protein sequence and biophysical properties (such as structural, functional, and spatial information, amino acid conservation, physicochemical variation, residue mobility, and thermodynamic stability) has been performed at Invitae for this missense variant, however the output from this modeling did not meet the statistical confidence thresholds required to predict the impact of this variant on NF2 protein function. In summary, the available evidence is currently insufficient to determine the role of this variant in disease. Therefore, it has been classified as a Variant of Uncertain Significance.